The following is an entry in ClinVar:

NM_014714.4(IFT140):c.1501C>T (p.Arg501Ter)

Genes: IFT140 (intraflagellar transport 140; minus strand), LOC105371046 (uncharacterized LOC105371046; plus strand). Cytogenetic location: 16p13.3.
Variant type: single nucleotide variant.
Coding change: c.1501C>T on transcript NM_014714.4 (MANE Select); coding-DNA position 1501, C replaced by T.
Protein change: p.Arg501Ter; replaces arginine 501 with a stop codon.
Molecular consequence: nonsense.
Genome position (GRCh38, 1-based): chr16:1,580,782, G>A on the plus strand (C>T on the coding strand, the complement: IFT140 is on the minus strand). VCF-style: chr16-1580782-G-A. GRCh37 (hg19) VCF-style: chr16-1630783-G-A.
Other names: c.1501C>T (NM_014714.3); short protein forms R501*.
Identifiers: ClinVar variation 1071413 (VCV001071413.10), dbSNP rs1424099914, ClinGen allele CA394211870.

ClinVar aggregate classification (germline): Pathogenic. Review status: criteria provided, multiple submitters, no conflicts (2 of 4 stars). 4 submissions from 4 submitters: Pathogenic (4). Last evaluated 2025-04-17.

Conditions:
IFT140-related disorder. Also called: IFT140-related condition.
Saldino-Mainzer syndrome (SRTD9). Also called: Renal dysplasia, retinal pigmentary dystrophy, cerebellar ataxia and skeletal dysplasia; CONORENAL SYNDROME; SHORT-RIB THORACIC DYSPLASIA 9 WITHOUT POLYDACTYLY; short-rib thoracic dysplasia 9 with or without polydactyly. Identifiers: Orphanet 140969, MedGen C1849437, MONDO:0009964, OMIM 266920.
Retinitis pigmentosa 80 (RP80). Identifiers: MedGen C4540439, MONDO:0054708, OMIM 617781.
Polycystic kidney disease 9, susceptibility to. Identifiers: MedGen C6012712, MONDO:0976267, OMIM 621164.
Cranioectodermal dysplasia 5. Identifiers: MedGen C6011237, MONDO:0976269, OMIM 621180.

Allele frequency attached by ClinVar (database versions not stated): gnomAD 0.00001.
gnomAD v4.1: 7 of 1,613,644 alleles (0.00043%); highest among the groups gnomAD compares: East Asian, 0.0067%; no homozygotes.

Submissions (4):

Labcorp Genetics (formerly Invitae), Labcorp
Classification: Pathogenic for Saldino-Mainzer syndrome. Last evaluated: 2025-04-17. Review status: criteria provided, single submitter. Criteria: Invitae Variant Classification Sherloc (09022015). Collection method: clinical testing. Allele origin: germline.
Comment: This sequence change creates a premature translational stop signal (p.Arg501*) in the IFT140 gene. It is expected to result in an absent or disrupted protein product. Loss-of-function variants in IFT140 are known to be pathogenic (PMID: 22503633, 23418020, 24009529, 26216056). This variant is present in population databases (no rsID available, gnomAD 0.003%). This variant has not been reported in the literature in individuals affected with IFT140-related conditions. ClinVar contains an entry for this variant (Variation ID: 1071413). For these reasons, this variant has been classified as Pathogenic.

First Genomix Gene Laboratory, Genetic Diagnostics Department
Classification: Pathogenic for Retinitis pigmentosa 80; Saldino-Mainzer syndrome. Last evaluated: 2025-01-08. Review status: criteria provided, single submitter. Criteria: ACMG Guidelines, 2015. Collection method: clinical testing. Allele origin: germline. Inheritance: Autosomal recessive inheritance. Affected: no. Observed: 1 variant allele.

PreventionGenetics, part of Exact Sciences
Classification: Pathogenic for IFT140-related condition. Last evaluated: 2022-10-21. Review status: criteria provided, single submitter. Criteria: ACMG Guidelines, 2015. Collection method: clinical testing. Allele origin: germline.
Comment: The IFT140 c.1501C>T variant is predicted to result in premature protein termination (p.Arg501*). To our knowledge, this variant has not been reported in the literature. This variant is reported in 0.0029% of alleles in individuals of Latino descent in gnomAD. Nonsense variants in IFT140 are expected to be pathogenic. This variant is interpreted as pathogenic.

Juno Genomics, Hangzhou Juno Genomics, Inc
Classification: Pathogenic for Retinitis pigmentosa 80; Saldino-Mainzer syndrome; Cranioectodermal dysplasia 5; Polycystic kidney disease 9, susceptibility to. Review status: criteria provided, single submitter. Criteria: ACMG Guidelines, 2015. Collection method: clinical testing. Allele origin: germline.
Comment: Absent from controls (or at extremely low frequency if recessive) in Genome Aggregation Database.;Null variant in a gene where loss of function (LOF) is a known mechanism of disease.;The prevalence of the variant in affected individuals is significantly increased compared to the prevalence in controls.;Patient's phenotype or family history is highly specific for a disease with a single genetic etiology.

Literature cited by the submitters: PubMed 22503633 (cited by Labcorp Genetics (formerly Invitae), Labcorp); PubMed 23418020 (cited by Labcorp Genetics (formerly Invitae), Labcorp); PubMed 24009529 (cited by Labcorp Genetics (formerly Invitae), Labcorp); PubMed 26216056 (cited by Labcorp Genetics (formerly Invitae), Labcorp).